The following is an entry in ClinVar:

ClinVar aggregate classification (germline): Uncertain significance (1 of 4 stars; one submission).

Conditions:
Hypertrophic cardiomyopathy 14. Identifiers: MedGen C2750467, MONDO:0013197, OMIM 613251.

Submission:

Labcorp Genetics (formerly Invitae), Labcorp
Classification: Uncertain significance for Hypertrophic cardiomyopathy 14. Last evaluated: 2025-07-22. Review status: criteria provided, single submitter. Criteria: Invitae Variant Classification Sherloc (09022015). Collection method: clinical testing. Allele origin: germline.
Comment: This sequence change replaces serine, which is neutral and polar, with threonine, which is neutral and polar, at codon 624 of the MYH6 protein (p.Ser624Thr). This variant is not present in population databases (gnomAD no frequency). This variant has not been reported in the literature in individuals affected with MYH6-related conditions. Invitae Evidence Modeling of protein sequence and biophysical properties (such as structural, functional, and spatial information, amino acid conservation, physicochemical variation, residue mobility, and thermodynamic stability) indicates that this missense variant is expected to disrupt MYH6 protein function with a positive predictive value of 80%. In summary, the available evidence is currently insufficient to determine the role of this variant in disease. Therefore, it has been classified as a Variant of Uncertain Significance.

NM_002471.4(MYH6):c.1870T>A (p.Ser624Thr)

Gene: MYH6 (myosin heavy chain 6; minus strand). Cytogenetic location: 14q11.2.
Variant type: single nucleotide variant.
Coding change: c.1870T>A on transcript NM_002471.4 (MANE Select); coding-DNA position 1870, T replaced by A.
Protein change: p.Ser624Thr; replaces serine 624 with threonine.
Molecular consequence: missense variant.
Genome position (GRCh38, 1-based): chr14:23,398,749, A>T on the plus strand (T>A on the coding strand, the complement: MYH6 is on the minus strand). VCF-style: chr14-23398749-A-T. GRCh37 (hg19) VCF-style: chr14-23867958-A-T.
Other names: short protein forms S624T.
Identifiers: ClinVar variation 4742794 (VCV004742794.1).